The following is an entry in ClinVar:

ClinVar aggregate classification (germline): Uncertain significance (1 of 4 stars; one submission).

Conditions:
Saldino-Mainzer syndrome (SRTD9). Also called: CONORENAL SYNDROME; Renal dysplasia, retinal pigmentary dystrophy, cerebellar ataxia and skeletal dysplasia; SHORT-RIB THORACIC DYSPLASIA 9 WITHOUT POLYDACTYLY; short-rib thoracic dysplasia 9 with or without polydactyly. Identifiers: Orphanet 140969, MedGen C1849437, MONDO:0009964, OMIM 266920.

Submission:

Labcorp Genetics (formerly Invitae), Labcorp
Classification: Uncertain significance for Saldino-Mainzer syndrome. Last evaluated: 2022-03-27. Review status: criteria provided, single submitter. Criteria: Invitae Variant Classification Sherloc (09022015). Collection method: clinical testing. Allele origin: germline.
Comment: In summary, the available evidence is currently insufficient to determine the role of this variant in disease. Therefore, it has been classified as a Variant of Uncertain Significance. Algorithms developed to predict the effect of missense changes on protein structure and function are either unavailable or do not agree on the potential impact of this missense change (SIFT: "Deleterious"; PolyPhen-2: "Benign"; Align-GVGD: "Class C0"). This variant has not been reported in the literature in individuals affected with IFT140-related conditions. This variant is not present in population databases (gnomAD no frequency). This sequence change replaces valine, which is neutral and non-polar, with glycine, which is neutral and non-polar, at codon 58 of the IFT140 protein (p.Val58Gly).

NM_014714.4(IFT140):c.173T>G (p.Val58Gly)

Genes: IFT140 (intraflagellar transport 140; minus strand), LOC105371046 (uncharacterized LOC105371046; plus strand). Cytogenetic location: 16p13.3.
Variant type: single nucleotide variant.
Coding change: c.173T>G on transcript NM_014714.4 (MANE Select); coding-DNA position 173, T replaced by G.
Protein change: p.Val58Gly; replaces valine 58 with glycine.
Molecular consequence: missense variant.
Genome position (GRCh38, 1-based): chr16:1,602,566, A>C on the plus strand (T>G on the coding strand, the complement: IFT140 is on the minus strand). VCF-style: chr16-1602566-A-C. GRCh37 (hg19) VCF-style: chr16-1652567-A-C.
Other names: short protein forms V58G.
Identifiers: ClinVar variation 2114545 (VCV002114545.2), dbSNP rs2508571901, ClinGen allele CA394223328.
Genomic context (GRCh38, chr16:1,602,566, plus strand): 5'-ACAGCCAGCACCAGCCGCGTCGGGTGCCAGCACAGGGAAGCAACCCGGAACGGCCTCTCG[A>C]CGTGTGTATCTGGCACGCACTCCCCCTGCATTGGATGAGAGGCAAATTCCCACAGTTCAG-3'
Protein context (NP_055529.2, residues 48-68): EQGECVPDTH[Val58Gly]ERPFRVASLC